The following is an entry in ClinVar:

NM_005334.3(HCFC1):c.2324C>T (p.Ser775Leu)

Gene: HCFC1 (host cell factor C1; minus strand). Cytogenetic location: Xq28.
Variant type: single nucleotide variant.
Coding change: c.2324C>T on transcript NM_005334.3 (MANE Select); coding-DNA position 2324, C replaced by T.
Protein change: p.Ser775Leu; replaces serine 775 with leucine.
Molecular consequence: missense variant.
Genome position (GRCh38, 1-based): chrX:153,957,343, G>A on the plus strand (C>T on the coding strand, the complement: HCFC1 is on the minus strand). VCF-style: chrX-153957343-G-A. GRCh37 (hg19) VCF-style: chrX-153222794-G-A.
Other names: c.2324C>T, p.Ser775Leu (NM_001410705.1); short protein forms S775L.
Identifiers: ClinVar variation 3349311 (VCV003349311.1).

ClinVar aggregate classification (germline): Uncertain significance (0 of 4 stars; one submission).

Conditions:
HCFC1-related disorder. Also called: HCFC1-related condition.

Submission:

PreventionGenetics, part of Exact Sciences
Classification: Uncertain significance for HCFC1-related condition. Last evaluated: 2024-03-07. Review status: no assertion criteria provided. Collection method: clinical testing. Allele origin: germline.
Comment: The HCFC1 c.2324C>T variant is predicted to result in the amino acid substitution p.Ser775Leu. To our knowledge, this variant has not been reported in the literature or in a large population database, indicating this variant is rare. At this time, the clinical significance of this variant is uncertain due to the absence of conclusive functional and genetic evidence.